The following is an entry in ClinVar:

NM_004036.5(ADCY3):c.1345G>A (p.Gly449Ser)

Gene: ADCY3 (adenylate cyclase 3; minus strand). Cytogenetic location: 2p23.3.
Variant type: single nucleotide variant.
Coding change: c.1345G>A on transcript NM_004036.5 (MANE Select); coding-DNA position 1345, G replaced by A.
Protein change: p.Gly449Ser; replaces glycine 449 with serine.
Molecular consequence: missense variant.
Genome position (GRCh38, 1-based): chr2:24,839,883, C>T on the plus strand (G>A on the coding strand, the complement: ADCY3 is on the minus strand). VCF-style: chr2-24839883-C-T. GRCh37 (hg19) VCF-style: chr2-25062752-C-T.
Other names: c.1345G>A, p.Gly449Ser (NM_001320613.2, NM_001377128.1, NM_001377129.1 and 2 more transcripts); c.622G>A, p.Gly208Ser (NM_001377131.1); short protein forms G208S, G449S.
Identifiers: ClinVar variation 3353122 (VCV003353122.1).

ClinVar aggregate classification (germline): Uncertain significance (0 of 4 stars; one submission).

Conditions:
ADCY3-related disorder. Also called: ADCY3-related condition.

gnomAD v4.1: 22 of 1,613,700 alleles (0.0014%); highest among the groups gnomAD compares: East Asian, 0.0022%; no homozygotes.

Submission:

PreventionGenetics, part of Exact Sciences
Classification: Uncertain significance for ADCY3-related condition. Last evaluated: 2024-09-20. Review status: no assertion criteria provided. Collection method: clinical testing. Allele origin: germline.
Comment: The ADCY3 c.1345G>A variant is predicted to result in the amino acid substitution p.Gly449Ser. To our knowledge, this variant has not been reported in the literature. This variant is reported in 0.064% of alleles in individuals of East Asian descent in gnomAD. Although we suspect that this variant may be benign, at this time, the clinical significance of this variant is uncertain due to the absence of conclusive functional and genetic evidence.